The following is an entry in ClinVar:

ClinVar aggregate classification (germline): Conflicting classifications of pathogenicity. Review status: criteria provided, conflicting classifications (1 of 4 stars). 2 submissions from 2 submitters: Uncertain significance (1); Likely benign (1). Last evaluated 2026-02-18.

Conditions:
Myoclonic dystonia 11 (DYT11). Also called: DYT-SGCE; Myoclonic dystonia; Dystonia 11; Dystonia, alcohol responsive; Hereditary essential myoclonus; SGCE Myoclonus-Dystonia. Identifiers: Orphanet 36899, MedGen C1834570, MONDO:0008044, OMIM 159900.

Allele frequency attached by ClinVar (database versions not stated): ExAC 0.00001; gnomAD exomes below 0.00001.
gnomAD v4.1: 3 of 1,611,040 alleles (0.00019%); highest among the groups gnomAD compares: South Asian, 0.0022%; no homozygotes.

Submissions (2):

Centre for Medical Genetics,  Mumbai
Classification: Likely benign for Myoclonic dystonia 11. Last evaluated: 2026-02-18. Review status: criteria provided, single submitter. Criteria: ACMG Guidelines, 2015. Collection method: provider interpretation. Allele origin: germline. Inheritance: Autosomal dominant inheritance. Affected: no. Observed: 1 heterozygote.
Comment: The variant satisfies PM2 criteria; extremely low frequency in gnomAD population databases. The variant satisfies PP3 criteria; For a missense or a splicing region variant, computational prediction tools unanimously support a deleterious effect on the gene. However, the variant satisfies BS2 criteria.

Labcorp Genetics (formerly Invitae), Labcorp
Classification: Uncertain significance for Myoclonic dystonia 11. Last evaluated: 2024-01-04. Review status: criteria provided, single submitter. Criteria: Invitae Variant Classification Sherloc (09022015). Collection method: clinical testing. Allele origin: germline.
Comment: This sequence change replaces proline, which is neutral and non-polar, with leucine, which is neutral and non-polar, at codon 73 of the SGCE protein (p.Pro73Leu). This variant is present in population databases (rs758030589, gnomAD 0.007%). This variant has not been reported in the literature in individuals affected with SGCE-related conditions. ClinVar contains an entry for this variant (Variation ID: 1382832). Advanced modeling of protein sequence and biophysical properties (such as structural, functional, and spatial information, amino acid conservation, physicochemical variation, residue mobility, and thermodynamic stability) performed at Invitae indicates that this missense variant is not expected to disrupt SGCE protein function with a negative predictive value of 80%. In summary, the available evidence is currently insufficient to determine the role of this variant in disease. Therefore, it has been classified as a Variant of Uncertain Significance.

Literature cited by the submitters: PubMed 11528394 (cited by Centre for Medical Genetics,  Mumbai).

NM_003919.3(SGCE):c.218C>T (p.Pro73Leu)

Genes: CASD1 (CAS1 domain sialic acid O acetyltransferase 1; plus strand), SGCE (sarcoglycan epsilon; minus strand). Cytogenetic location: 7q21.3.
Variant type: single nucleotide variant.
Coding change: c.218C>T on transcript NM_003919.3 (MANE Select); coding-DNA position 218, C replaced by T.
Protein change: p.Pro73Leu; replaces proline 73 with leucine.
Molecular consequence: missense variant. On other transcripts: 5 prime UTR variant (2), intron variant (2).
Genome position (GRCh38, 1-based): chr7:94,629,733, G>A on the plus strand (C>T on the coding strand, the complement: SGCE is on the minus strand). VCF-style: chr7-94629733-G-A. GRCh37 (hg19) VCF-style: chr7-94259045-G-A.
Other names: c.218C>T, p.Pro73Leu (NM_001099400.2, NM_001099401.2, NM_001346717.2); c.326C>T, p.Pro109Leu (NM_001346713.2, NM_001346715.2); c.131C>T, p.Pro44Leu (NM_001346719.2, NM_001362807.2); c.-56C>T (NM_001346720.2, NM_001362808.2); c.110-1374C>T (NM_001362809.2, NM_001301139.2); short protein forms P109L, P44L, P73L.
Identifiers: ClinVar variation 1382832 (VCV001382832.8), dbSNP rs758030589, ClinGen allele CA4348869.